The following is an entry in ClinVar:

ClinVar aggregate classification (germline): Uncertain significance (1 of 4 stars; one submission).

Allele frequency attached by ClinVar (database versions not stated): ExAC 0.00001; gnomAD 0.00001.
gnomAD v4.1: 8 of 1,605,436 alleles (0.0005%); highest among the groups gnomAD compares: African/African-American, 0.0027%; no homozygotes.

Submission:

Ambry Genetics
Classification: Uncertain significance. Last evaluated: 2022-02-13. Review status: criteria provided, single submitter. Criteria: Ambry Variant Classification Scheme 2023. Collection method: clinical testing. Allele origin: germline.
Comment: The p.V968M variant (also known as c.2902G>A), located in coding exon 25 of the PRKDC gene, results from a G to A substitution at nucleotide position 2902. The valine at codon 968 is replaced by methionine, an amino acid with highly similar properties. This amino acid position is conserved. In addition, the in silico prediction for this alteration is inconclusive. Since supporting evidence is limited at this time, the clinical significance of this alteration remains unclear.

NM_006904.7(PRKDC):c.2902G>A (p.Val968Met)

Gene: PRKDC (protein kinase, DNA-activated, catalytic subunit; minus strand). Cytogenetic location: 8q11.21.
Variant type: single nucleotide variant.
Coding change: c.2902G>A on transcript NM_006904.7 (MANE Select); coding-DNA position 2902, G replaced by A.
Protein change: p.Val968Met; replaces valine 968 with methionine.
Molecular consequence: missense variant.
Genome position (GRCh38, 1-based): chr8:47,912,442, C>T on the plus strand (G>A on the coding strand, the complement: PRKDC is on the minus strand). VCF-style: chr8-47912442-C-T. GRCh37 (hg19) VCF-style: chr8-48825002-C-T.
Other names: c.2902G>A, p.Val968Met (NM_001081640.2); short protein forms V968M.
Identifiers: ClinVar variation 1797470 (VCV001797470.2), dbSNP rs764988098, ClinGen allele CA4741335.